The following is an entry in ClinVar:

NM_133444.3(ZNF526):c.689G>T (p.Gly230Val)

Gene: ZNF526 (zinc finger protein 526; plus strand). Cytogenetic location: 19q13.2.
Variant type: single nucleotide variant.
Coding change: c.689G>T on transcript NM_133444.3 (MANE Select); coding-DNA position 689, G replaced by T.
Protein change: p.Gly230Val; replaces glycine 230 with valine.
Molecular consequence: missense variant.
Genome position (GRCh38, 1-based): chr19:42,225,092, G>T. VCF-style: chr19-42225092-G-T. GRCh37 (hg19) VCF-style: chr19-42729244-G-T.
Other names: c.689G>T, p.Gly230Val (NM_001314033.3); short protein forms G230V.
Identifiers: ClinVar variation 4685411 (VCV004685411.1).

ClinVar aggregate classification (germline): Uncertain significance (1 of 4 stars; one submission).

gnomAD v4.1: 1 of 1,614,214 alleles (0.000062%); highest among the groups gnomAD compares: Admixed American, 0.0017%; no homozygotes.

Submission:

GeneDx
Classification: Uncertain significance. Last evaluated: 2025-07-08. Review status: criteria provided, single submitter. Criteria: GeneDx Variant Classification Process June 2021. Collection method: clinical testing. Allele origin: germline. Affected: yes.
Comment: Not observed at significant frequency in large population cohorts (gnomAD); In silico analysis suggests that this missense variant does not alter protein structure/function; Has not been previously published as pathogenic or benign to our knowledge